The following is an entry in ClinVar:

ClinVar aggregate classification (germline): Uncertain significance (1 of 4 stars; one submission).

Conditions:
Perlman syndrome (PRLMNS). Identifiers: Orphanet 2849, MedGen C0796113, MONDO:0009965, OMIM 267000.

Allele frequency attached by ClinVar (database versions not stated): gnomAD exomes below 0.00001.
gnomAD v4.1: 2 of 1,612,978 alleles (0.00012%); highest among the groups gnomAD compares: African/African-American, 0.0013%; no homozygotes.

Submission:

Labcorp Genetics (formerly Invitae), Labcorp
Classification: Uncertain significance for Perlman syndrome. Last evaluated: 2021-12-11. Review status: criteria provided, single submitter. Criteria: Invitae Variant Classification Sherloc (09022015). Collection method: clinical testing. Allele origin: germline.
Comment: In summary, the available evidence is currently insufficient to determine the role of this variant in disease. Therefore, it has been classified as a Variant of Uncertain Significance. Algorithms developed to predict the effect of missense changes on protein structure and function (SIFT, PolyPhen-2, Align-GVGD) all suggest that this variant is likely to be tolerated. This variant has not been reported in the literature in individuals affected with DIS3L2-related conditions. This variant is not present in population databases (gnomAD no frequency). This sequence change replaces valine, which is neutral and non-polar, with alanine, which is neutral and non-polar, at codon 209 of the DIS3L2 protein (p.Val209Ala).

NM_152383.5(DIS3L2):c.626T>C (p.Val209Ala)

Gene: DIS3L2 (DIS3 like 3'-5' exoribonuclease 2; plus strand). Cytogenetic location: 2q37.1.
Variant type: single nucleotide variant.
Coding change: c.626T>C on transcript NM_152383.5 (MANE Select); coding-DNA position 626, T replaced by C.
Protein change: p.Val209Ala; replaces valine 209 with alanine.
Molecular consequence: missense variant. On other transcripts: non-coding transcript variant (2).
Genome position (GRCh38, 1-based): chr2:232,130,643, T>C. VCF-style: chr2-232130643-T-C. GRCh37 (hg19) VCF-style: chr2-232995353-T-C.
Other names: c.626T>C, p.Val209Ala (NM_001257281.2, NM_001257282.2); short protein forms V209A.
Identifiers: ClinVar variation 1510585 (VCV001510585.6), dbSNP rs2106350038, ClinGen allele CA351153132.